The following is an entry in ClinVar:

NM_000363.5(TNNI3):c.179A>G (p.Glu60Gly)

Gene: TNNI3 (troponin I3, cardiac type; minus strand). Cytogenetic location: 19q13.42.
Variant type: single nucleotide variant.
Coding change: c.179A>G on transcript NM_000363.5 (MANE Select); coding-DNA position 179, A replaced by G.
Protein change: p.Glu60Gly; replaces glutamic acid 60 with glycine.
Molecular consequence: missense variant.
Genome position (GRCh38, 1-based): chr19:55,156,304, T>C on the plus strand (A>G on the coding strand, the complement: TNNI3 is on the minus strand). VCF-style: chr19-55156304-T-C. GRCh37 (hg19) VCF-style: chr19-55667672-T-C.
Other names: short protein forms E60G.
Identifiers: ClinVar variation 926476 (VCV000926476.4), dbSNP rs2085729410, ClinGen allele CA407441961.

ClinVar aggregate classification (germline): Uncertain significance (1 of 4 stars; one submission).

Conditions:
Cardiomyopathy (CMYO). Also called: Cardiomyopathies. Identifiers: Orphanet 167848, MedGen C0878544, MONDO:0004994, HP:0001638. Inheritance: Various modes of inheritance.

Submission:

Color Diagnostics, LLC DBA Color Health
Classification: Uncertain significance for Cardiomyopathy. Last evaluated: 2024-03-06. Review status: criteria provided, single submitter. Criteria: ACMG Guidelines, 2015. Collection method: clinical testing. Allele origin: germline.
Comment: This missense variant replaces glutamic acid with glycine at codon 60 of the TNNI3 protein. Computational prediction tool suggests that this variant may have deleterious impact on protein structure and function (internally defined REVEL score threshold >=0.7, PMID: 27666373). Splice site prediction tools suggest that this variant may not impact RNA splicing. To our knowledge, functional studies have not been performed for this variant. This variant has not been reported in individuals affected with cardiovascular disorders in the literature. This variant has not been identified in the general population by the Genome Aggregation Database (gnomAD). The available evidence is insufficient to determine the role of this variant in disease conclusively. Therefore, this variant is classified as a Variant of Uncertain Significance.